The following is an entry in ClinVar:

NM_017827.4(SARS2):c.1315A>T (p.Thr439Ser)

Gene: SARS2 (seryl-tRNA synthetase 2, mitochondrial; minus strand). Cytogenetic location: 19q13.2.
Variant type: single nucleotide variant.
Coding change: c.1315A>T on transcript NM_017827.4 (MANE Select); coding-DNA position 1315, A replaced by T.
Protein change: p.Thr439Ser; replaces threonine 439 with serine.
Molecular consequence: missense variant.
Genome position (GRCh38, 1-based): chr19:38,916,069, T>A on the plus strand (A>T on the coding strand, the complement: SARS2 is on the minus strand). VCF-style: chr19-38916069-T-A. GRCh37 (hg19) VCF-style: chr19-39406709-T-A.
Other names: c.1321A>T, p.Thr441Ser (NM_001145901.2); short protein forms T439S, T441S.
Identifiers: ClinVar variation 506542 (VCV000506542.14), dbSNP rs200202461, ClinGen allele CA9422783.

ClinVar aggregate classification (germline): Conflicting classifications of pathogenicity. Review status: criteria provided, conflicting classifications (1 of 4 stars). 4 submissions from 4 submitters: Uncertain significance (1); Benign (1); Likely benign (1). 1 of the submissions does not count toward it. Last evaluated 2026-01-06.

Conditions:
Hyperuricemia, pulmonary hypertension, renal failure, alkalosis syndrome (HUPRAS). Also called: HUPRA SYNDROME; HYPERURICEMIA, PULMONARY HYPERTENSION, RENAL FAILURE, AND ALKALOSIS SYNDROME. Identifiers: Orphanet 363694, MedGen C3151209, MONDO:0013458, OMIM 613845.
SARS2-related disorder. Also called: SARS2-related condition.

Allele frequency attached by ClinVar (database versions not stated): gnomAD exomes 0.00017 and 0.00082; gnomAD 0.00029 and 0.00036; TOPMed 0.00036; ExAC 0.00070; 1000 Genomes Project 30x 0.00187; 1000 Genomes Project 0.00220.
gnomAD v4.1: 314 of 1,613,740 alleles (0.019%); highest among the groups gnomAD compares: East Asian, 0.63%; 3 homozygotes.

Submissions (4):

Labcorp Genetics (formerly Invitae), Labcorp
Classification: Benign. Last evaluated: 2026-01-06. Review status: criteria provided, single submitter. Criteria: Invitae Variant Classification Sherloc (09022015). Collection method: clinical testing. Allele origin: germline.

Illumina Laboratory Services, Illumina
Classification: Uncertain significance for Hyperuricemia, pulmonary hypertension, renal failure, alkalosis syndrome. Last evaluated: 2018-01-12. Review status: criteria provided, single submitter. Criteria: ICSL Variant Classification Criteria 13 December 2019. Collection method: clinical testing. Allele origin: germline.

GeneDx
Classification: Likely benign. Last evaluated: 2017-11-10. Review status: criteria provided, single submitter. Criteria: GeneDx Variant Classification (06012015). Collection method: clinical testing. Allele origin: germline. Affected: yes.
Comment: This variant is considered likely benign or benign based on one or more of the following criteria: it is a conservative change, it occurs at a poorly conserved position in the protein, it is predicted to be benign by multiple in silico algorithms, and/or has population frequency not consistent with disease.

PreventionGenetics, part of Exact Sciences
Classification: Benign for SARS2-related condition. Last evaluated: 2019-08-22. Review status: no assertion criteria provided. Collection method: clinical testing. Allele origin: germline. Not counted in ClinVar's aggregate classification.
Comment: This variant is classified as benign based on ACMG/AMP sequence variant interpretation guidelines (Richards et al. 2015 PMID: 25741868, with internal and published modifications).